The following is an entry in ClinVar:

NM_000059.4(BRCA2):c.9986del (p.Asn3329fs)

Gene: BRCA2 (BRCA2 DNA repair associated; plus strand). Cytogenetic location: 13q13.1.
Variant type: Deletion.
Coding change: c.9986del on transcript NM_000059.4 (MANE Select); coding-DNA position 9986, one base deleted (A; older notation c.9986delA).
Protein change: p.Asn3329fs; shifts the reading frame from asparagine 3329.
Molecular consequence: frameshift variant.
Genome position (GRCh38, 1-based): chr13:32,398,499, A deleted; the last of 2 consecutive A bases (chr13:32,398,498-32,398,499); deleting either gives the same sequence. VCF-style (leftmost placement, unchanged base first): chr13-32398497-CA-C. GRCh37 (hg19) VCF-style: chr13-32972634-CA-C.
Other names: c.9986delA (NM_000059.3, NM_000059.4); short protein forms N3329fs.
Identifiers: ClinVar variation 422676 (VCV000422676.7), dbSNP rs1064795930, ClinGen allele CA16619801.

ClinVar aggregate classification (germline): Conflicting classifications of pathogenicity. Review status: criteria provided, conflicting classifications (1 of 4 stars). 4 submissions from 4 submitters: Uncertain significance (2); Likely benign (2). Last evaluated 2025-07-08.

Conditions:
Hereditary breast ovarian cancer syndrome. Also called: BRCA1- and BRCA2-Associated Hereditary Breast and Ovarian Cancer; Hereditary breast and/or ovarian cancer syndrome; Hereditary breast and ovarian cancer syndrome; Hereditary breast and ovarian cancer; Hereditary breast and ovarian cancer syndrome (HBOC); Breast and ovarian cancer. Identifiers: Orphanet 145, MedGen C0677776, MeSH D061325, MONDO:0003582. Disease mechanism: loss of function.
Hereditary cancer-predisposing syndrome. Also called: Hereditary neoplastic syndrome; Neoplastic Syndromes, Hereditary; Tumor predisposition; Hereditary Cancer Syndrome. Identifiers: Orphanet 140162, MedGen C0027672, MeSH D009386, MONDO:0015356.

Submissions (4):

Women's Health and Genetics/Laboratory Corporation of America, LabCorp
Classification: Uncertain significance. Last evaluated: 2025-07-08. Review status: criteria provided, single submitter. Criteria: LabCorp Variant Classification Summary - May 2015. Collection method: clinical testing. Allele origin: germline.
Comment: Variant summary: BRCA2 c.9986delA (p.Asn3329MetfsX11) results in a premature termination codon, predicted to cause a truncation of the encoded protein, however it is not predicted to undergo nonsense mediated decay. The variant was absent in 250720 control chromosomes. The available data on variant occurrences in the general population are insufficient to allow any conclusion about variant significance. To our knowledge, no occurrence of c.9986delA in individuals affected with Hereditary Breast And Ovarian Cancer Syndrome and no experimental evidence demonstrating its impact on protein function have been reported. ClinVar contains an entry for this variant (Variation ID: 422676). Based on the evidence outlined above, the variant was classified as uncertain significance.

Labcorp Genetics (formerly Invitae), Labcorp
Classification: Likely benign for Hereditary breast ovarian cancer syndrome. Last evaluated: 2024-03-18. Review status: criteria provided, single submitter. Criteria: Invitae Variant Classification Sherloc (09022015). Collection method: clinical testing. Allele origin: germline.

Ambry Genetics
Classification: Likely benign for Hereditary cancer-predisposing syndrome. Last evaluated: 2020-03-16. Review status: criteria provided, single submitter. Criteria: Ambry Variant Classification Scheme 2023. Collection method: clinical testing. Allele origin: germline.

GeneDx
Classification: Uncertain significance. Last evaluated: 2018-03-05. Review status: criteria provided, single submitter. Criteria: GeneDx Variant Classification (06012015). Collection method: clinical testing. Allele origin: germline. Affected: yes.
Comment: This deletion of one nucleotide in BRCA2 is denoted c.9986delA at the cDNA level and p.Asn3329MetfsX11 (N3329MfsX11) at the protein level. Using alternate nomenclature, this variant would be defined as BRCA2 10214delA. The normal sequence, with the base that is deleted in braces, is TTCA[A]TGAA. This variant has not, to our knowledge, been reported in the literature as pathogenic or benign. The deletion causes a frameshift which changes an Asparagine to a Methionine at codon 3329, and creates a premature stop codon at position 11 of the new reading frame. Although this variant results in a frameshift and premature stop codon, it is located downstream of a well-known BRCA2 polymorphism that also results in a premature stop of translation (Lys3326Ter), suggesting that the region of the BRCA2 gene beyond codon 3326 is not crucial for proper function. Based on current information, it is unclear whether BRCA2 c.9986delA is pathogenic or benign. We consider it to be a variant of uncertain significance.